The following is an entry in ClinVar:

NM_058216.3(RAD51C):c.835G>C (p.Ala279Pro)

Gene: RAD51C (RAD51 paralog C; plus strand). Cytogenetic location: 17q22.
Variant type: single nucleotide variant.
Coding change: c.835G>C on transcript NM_058216.3 (MANE Select); coding-DNA position 835, G replaced by C.
Protein change: p.Ala279Pro; replaces alanine 279 with proline.
Molecular consequence: missense variant. On other transcripts: non-coding transcript variant (1).
Genome position (GRCh38, 1-based): chr17:58,709,988, G>C. VCF-style: chr17-58709988-G-C. GRCh37 (hg19) VCF-style: chr17-56787349-G-C.
Other names: short protein forms A279P.
Identifiers: ClinVar variation 142502 (VCV000142502.23), dbSNP rs587782507, ClinGen allele CA168535.

ClinVar aggregate classification (germline): Conflicting classifications of pathogenicity. Review status: criteria provided, conflicting classifications (1 of 4 stars). 7 submissions from 7 submitters: Likely pathogenic (1); Uncertain significance (6). Last evaluated 2025-12-18.

Conditions:
RAD51C-related disorder. Also called: RAD51C-related condition; RAD51C-related disorders.
Hereditary cancer-predisposing syndrome. Also called: Neoplastic Syndromes, Hereditary; Hereditary neoplastic syndrome; Tumor predisposition; Hereditary Cancer Syndrome. Identifiers: Orphanet 140162, MedGen C0027672, MeSH D009386, MONDO:0015356.
Hereditary breast ovarian cancer syndrome. Also called: Hereditary breast and/or ovarian cancer syndrome; Hereditary breast and ovarian cancer syndrome; BRCA1- and BRCA2-Associated Hereditary Breast and Ovarian Cancer; Hereditary breast and ovarian cancer; Hereditary breast and ovarian cancer syndrome (HBOC); Breast and ovarian cancer. Identifiers: Orphanet 145, MedGen C0677776, MeSH D061325, MONDO:0003582. Disease mechanism: loss of function.
Fanconi anemia complementation group O. Also called: RAD51C-Related Fanconi Anemia. Identifiers: Orphanet 84, MedGen C3150653, MONDO:0013248, OMIM 613390.
Breast-ovarian cancer, familial, susceptibility to, 3. Also called: RAD51C-Related Breast/Ovarian Cancer. Identifiers: Orphanet 145, MedGen C3150659, MONDO:0013253, OMIM 613399.

Allele frequency attached by ClinVar (database versions not stated): gnomAD exomes 0.00001; TOPMed 0.00001.

Submissions (7):

Ambry Genetics
Classification: Uncertain significance for Hereditary cancer-predisposing syndrome. Last evaluated: 2025-12-18. Review status: criteria provided, single submitter. Criteria: Ambry Variant Classification Scheme 2023. Collection method: clinical testing. Allele origin: germline.
Comment: The p.A279P variant (also known as c.835G>C), located in coding exon 5 of the RAD51C gene, results from a G to C substitution at nucleotide position 835. The alanine at codon 279 is replaced by proline, an amino acid with highly similar properties. This variant has been identified in multiple individuals diagnosed with ovarian cancer (Loveday C et al. Nat. Genet. 2012 Apr;44(5):475-6; Song H et al. J. Clin. Oncol., 2015 Sep;33(26):2901-7). In multiple assays testing RAD51C function, this alteration showed an abnormal read-out (Hu C et al. Cancer Res, 2023 Aug;83:2557-2571; Olvera-Le&oacute;n R et al. Cell 2024 Oct;187(20):5719-5734.e19). This amino acid position is highly conserved in available vertebrate species. In addition, this alteration is predicted to be deleterious by in silico analysis. Based on the available evidence, the clinical significance of this variant remains unclear.

German Consortium for Hereditary Breast and Ovarian Cancer, University Hospital Cologne
Classification: Uncertain significance for Hereditary breast ovarian cancer syndrome. Last evaluated: 2025-08-12. Review status: criteria provided, single submitter. Criteria: ACMG Guidelines, 2015. Collection method: curation. Allele origin: germline.
Comment: This classification follows the ACMG SVI adaptation classification scheme; We chose this criterion: PS3 (strong pathogenic): Olvera-León et al., Cell 2024 - c.835G>C is classified as a fast-depleted variant by SGE (saturation genome editing) Hu et al, Cancer Research 2023 - deleterious (located in the Walker B motif at residues 237 and 242, which is also predicted to contribute to ATP binding)

Labcorp Genetics (formerly Invitae), Labcorp
Classification: Uncertain significance for Fanconi anemia complementation group O. Last evaluated: 2025-02-12. Review status: criteria provided, single submitter. Criteria: Invitae Variant Classification Sherloc (09022015). Collection method: clinical testing. Allele origin: germline.
Comment: This sequence change replaces alanine, which is neutral and non-polar, with proline, which is neutral and non-polar, at codon 279 of the RAD51C protein (p.Ala279Pro). This variant is not present in population databases (gnomAD no frequency). This missense change has been observed in individual(s) with breast cancer and/or ovarian cancer (PMID: 22538716, 26261251). ClinVar contains an entry for this variant (Variation ID: 142502). An algorithm developed to predict the effect of missense changes on protein structure and function (PolyPhen-2) suggests that this variant is likely to be disruptive. Experimental studies have shown that this missense change affects RAD51C function (PMID: 37253112). In summary, the available evidence is currently insufficient to determine the role of this variant in disease. Therefore, it has been classified as a Variant of Uncertain Significance.

Color Diagnostics, LLC DBA Color Health
Classification: Uncertain significance for Hereditary cancer-predisposing syndrome. Last evaluated: 2024-11-26. Review status: criteria provided, single submitter. Criteria: ACMG Guidelines, 2015. Collection method: clinical testing. Allele origin: germline.
Comment: This missense variant replaces alanine with proline at codon 279 of the RAD51C protein. Computational prediction is inconclusive regarding the impact of this variant on protein structure and function. A high throughput study using saturation genome editing showed that this variant impacted function (PMID: 39299233). This variant has been reported in at least one individual affected with ovarian cancer (PMID: 22538716, 26261251). This variant has not been identified in the general population by the Genome Aggregation Database (gnomAD). The available evidence is insufficient to determine the role of this variant in disease conclusively. Therefore, this variant is classified as a Variant of Uncertain Significance.

Myriad Genetics, Inc.
Classification: Likely pathogenic for Breast-ovarian cancer, familial, susceptibility to, 3. Last evaluated: 2024-11-25. Review status: criteria provided, single submitter. Criteria: Myriad Autosomal Dominant, Autosomal Recessive and X-Linked Classification Criteria (2023). Collection method: clinical testing. Allele origin: unknown.
Comment: This variant is considered likely pathogenic. Functional studies indicate this variant impacts protein function [PMID: 39299233, 37253112]. This variant is expected to disrupt protein structure [Myriad internal data].

Baylor Genetics
Classification: Uncertain significance for Breast-ovarian cancer, familial, susceptibility to, 3. Last evaluated: 2023-09-09. Review status: criteria provided, single submitter. Criteria: ACMG Guidelines, 2015. Collection method: clinical testing. Allele origin: unknown.

PreventionGenetics, part of Exact Sciences
Classification: Uncertain significance for RAD51C-related condition. Last evaluated: 2023-07-20. Review status: criteria provided, single submitter. Criteria: ACMG Guidelines, 2015. Collection method: clinical testing. Allele origin: germline.
Comment: The RAD51C c.835G>C variant is predicted to result in the amino acid substitution p.Ala279Pro. This variant has been reported in an individual with breast and/or ovarian cancer (Table S3, Loveday et al. 2012. PubMed ID: 22538716; Table A4, Song et al. 2015. PubMed ID: 26261251; Table 1, Gayarre et al. 2017. PubMed ID: 28829762; Table S1, Boni et al. 2021. PubMed ID: 34923718). This variant has not been reported in a large population database, indicating this variant is rare. It is interpreted as uncertain significance in ClinVar. At this time, the clinical significance of this variant is uncertain due to the absence of conclusive functional and genetic evidence.

Literature cited by the submitters: PubMed 22538716 (cited by 3 submitters); PubMed 26261251 (cited by 3 submitters); PubMed 37253112 (cited by 3 submitters); PubMed 39299233 (cited by Color Diagnostics, LLC DBA Color Health and Myriad Genetics, Inc.).